The following is an entry in ClinVar:

ClinVar aggregate classification (germline): Benign/Likely benign. Review status: criteria provided, multiple submitters, no conflicts (2 of 4 stars). 7 submissions from 7 submitters: Benign (2); Likely benign (4). 1 of the submissions does not count toward it. Last evaluated 2026-02-02.

Conditions:
KCNH1-related disorder. Also called: KCNH1-related disorders; KCNH1-related condition.

Allele frequency attached by ClinVar (database versions not stated): gnomAD exomes 0.00042 and 0.00109; ExAC 0.00132; 1000 Genomes Project 30x 0.00234; 1000 Genomes Project 0.00260; gnomAD 0.00414 and 0.00446; TOPMed 0.00443; ESP Exome Variant Server 0.00469.
gnomAD v4.1: 1,270 of 1,613,950 alleles (0.079%); highest among the groups gnomAD compares: African/African-American, 1.3%; 5 homozygotes.

Submissions (7):

Labcorp Genetics (formerly Invitae), Labcorp
Classification: Benign. Last evaluated: 2026-02-02. Review status: criteria provided, single submitter. Criteria: Invitae Variant Classification Sherloc (09022015). Collection method: clinical testing. Allele origin: germline.

Mayo Clinic Laboratories, Mayo Clinic
Classification: Likely benign. Last evaluated: 2025-04-09. Review status: criteria provided, single submitter. Criteria: ACMG Guidelines, 2015. Collection method: clinical testing. Allele origin: germline. Observed: 7 variant alleles.

Blueprint Genetics
Classification: Likely benign. Last evaluated: 2024-10-15. Review status: criteria provided, single submitter. Criteria: ACMG Guidelines, 2015. Collection method: clinical testing. Allele origin: germline.

CeGaT Center for Human Genetics Tuebingen
Classification: Benign. Last evaluated: 2022-08-01. Review status: criteria provided, single submitter. Criteria: CeGaT Center For Human Genetics Tuebingen Variant Classification Criteria Version 2. Collection method: clinical testing. Allele origin: germline. Affected: yes. Observed: 1 variant allele.
Comment: KCNH1: BS1, BS2

GeneDx
Classification: Likely benign. Last evaluated: 2020-11-05. Review status: criteria provided, single submitter. Criteria: GeneDx Variant Classification Process June 2021. Collection method: clinical testing. Allele origin: germline. Affected: yes.

Breakthrough Genomics
Classification: Likely benign. Review status: criteria provided, single submitter. Criteria: ACMG Guidelines, 2015. Collection method: not provided. Allele origin: germline. Inheritance: Autosomal dominant inheritance. Affected: yes.

PreventionGenetics, part of Exact Sciences
Classification: Benign for KCNH1-related condition. Last evaluated: 2024-03-21. Review status: no assertion criteria provided. Collection method: clinical testing. Allele origin: germline. Not counted in ClinVar's aggregate classification.
Comment: This variant is classified as benign based on ACMG/AMP sequence variant interpretation guidelines (Richards et al. 2015 PMID: 25741868, with internal and published modifications).

NM_172362.3(KCNH1):c.1911T>C (p.Ile637=)

Gene: KCNH1 (potassium voltage-gated channel subfamily H member 1; minus strand). Cytogenetic location: 1q32.2.
Variant type: single nucleotide variant.
Coding change: c.1911T>C on transcript NM_172362.3 (MANE Select); coding-DNA position 1911, T replaced by C.
Protein change: p.Ile637=; no amino-acid change (isoleucine 637 retained).
Molecular consequence: synonymous variant.
Genome position (GRCh38, 1-based): chr1:210,797,512, A>G on the plus strand (T>C on the coding strand, the complement: KCNH1 is on the minus strand). VCF-style: chr1-210797512-A-G. GRCh37 (hg19) VCF-style: chr1-210970854-A-G.
Other names: p.Ile637=; c.1830T>C, p.Ile610= (NM_002238.4).
Identifiers: ClinVar variation 707061 (VCV000707061.39), dbSNP rs111629488, ClinGen allele CA1379816.